The following is an entry in ClinVar:

ClinVar aggregate classification (germline): Benign. Review status: criteria provided, multiple submitters, no conflicts (2 of 4 stars). 7 submissions from 7 submitters: Benign (6). 1 of the submissions does not count toward it. Last evaluated 2026-01-31.

Conditions:
Early-infantile DEE. Also called: Ohtahara syndrome; Early infantile epileptic encephalopathy; Early infantile epileptic encephalopathy with suppression bursts. Identifiers: Orphanet 1934, MedGen C0393706, MONDO:0800491.
Inborn genetic diseases. Identifiers: MedGen C0950123, MeSH D030342.
Early Myoclonic Encephalopathy. Identifiers: MedGen C0270855.

Allele frequency attached by ClinVar (database versions not stated): TOPMed 0.00192; gnomAD exomes 0.00314 and 0.00737; gnomAD 0.00118 and 0.00271; 1000 Genomes Project 30x 0.01468; ESP Exome Variant Server 0.00023; ExAC 0.00808; 1000 Genomes Project 0.01498.
gnomAD v4.1: 5,147 of 1,613,360 alleles (0.32%); highest among the groups gnomAD compares: South Asian, 4%; 146 homozygotes.

Submissions (7):

Labcorp Genetics (formerly Invitae), Labcorp
Classification: Benign for Early-infantile DEE. Last evaluated: 2026-01-31. Review status: criteria provided, single submitter. Criteria: Invitae Variant Classification Sherloc (09022015). Collection method: clinical testing. Allele origin: germline.

Illumina Laboratory Services, Illumina
Classification: Benign for Developmental and epileptic encephalopathy, 3. Last evaluated: 2018-01-13. Review status: criteria provided, single submitter. Criteria: ICSL Variant Classification Criteria 13 December 2019. Collection method: clinical testing. Allele origin: germline.
Comment: This variant was observed in the ICSL laboratory as part of a predisposition screen in an ostensibly healthy population. It had not been previously curated by ICSL or reported in the Human Gene Mutation Database (HGMD: prior to June 1st, 2018), and was therefore a candidate for classification through an automated scoring system. Utilizing variant allele frequency, disease prevalence and penetrance estimates, and inheritance mode, an automated score was calculated to assess if this variant is too frequent to cause the disease. Based on the score and internal cut-off values, a variant classified as benign is not then subjected to further curation. The score for this variant resulted in a classification of benign for this disease.

Ambry Genetics
Classification: Benign for Inborn genetic diseases. Last evaluated: 2016-11-18. Review status: criteria provided, single submitter. Criteria: Ambry Variant Classification Scheme 2023. Collection method: clinical testing. Allele origin: germline.

Eurofins Ntd Llc (ga)
Classification: Benign. Last evaluated: 2015-01-07. Review status: criteria provided, single submitter. Criteria: EGL Classification Definitions 2015. Collection method: clinical testing. Allele origin: germline. Observed: 1 variant allele, 1 heterozygote.

GeneDx
Classification: Benign. Last evaluated: 2013-03-28. Review status: criteria provided, single submitter. Criteria: GeneDx Variant Classification (06012015). Collection method: clinical testing. Allele origin: germline. Affected: yes.
Comment: This variant is considered likely benign or benign based on one or more of the following criteria: it is a conservative change, it occurs at a poorly conserved position in the protein, it is predicted to be benign by multiple in silico algorithms, and/or has population frequency not consistent with disease.

Breakthrough Genomics
Classification: Benign. Review status: criteria provided, single submitter. Criteria: ACMG Guidelines, 2015. Collection method: not provided. Allele origin: germline. Inheritance: Autosomal recessive inheritance. Affected: yes.

Genetic Services Laboratory, University of Chicago
Classification: Likely benign. Review status: no assertion criteria provided. Collection method: clinical testing. Allele origin: germline. Inheritance: Autosomal recessive inheritance. Not counted in ClinVar's aggregate classification.
Comment: Likely benign based on allele frequency in 1000 Genomes Project or ESP global frequency and its presence in a patient with a rare or unrelated disease phenotype. NOT Sanger confirmed

NM_001191061.2(SLC25A22):c.618G>A (p.Pro206=)

Gene: SLC25A22 (solute carrier family 25 member 22; minus strand). Cytogenetic location: 11p15.5.
Variant type: single nucleotide variant.
Coding change: c.618G>A on transcript NM_001191061.2 (MANE Select); coding-DNA position 618, G replaced by A.
Protein change: p.Pro206=; no amino-acid change (proline 206 retained).
Molecular consequence: synonymous variant.
Genome position (GRCh38, 1-based): chr11:792,428, C>T on the plus strand (G>A on the coding strand, the complement: SLC25A22 is on the minus strand). VCF-style: chr11-792428-C-T. GRCh37 (hg19) VCF-style: chr11-792428-C-T.
Other names: p.P206P:CCG>CCA; c.618G>A, p.Pro206= (NM_001191060.2, NM_024698.6).
Identifiers: ClinVar variation 139141 (VCV000139141.28), dbSNP rs150544061, ClinGen allele CA295156.